The following is an entry in ClinVar:

ClinVar aggregate classification (germline): Likely pathogenic. Review status: reviewed by expert panel (3 of 4 stars). 8 submissions from 8 submitters: Likely pathogenic (1). 7 of the submissions do not count toward it. Last evaluated 2026-07-10.

Conditions:
Glycogen storage disease, type II (IOPD). Also called: POMPE DISEASE, INFANTILE-ONSET; GLYCOGEN STORAGE DISEASE II, INFANTILE-ONSET; ACID ALPHA-GLUCOSIDASE DEFICIENCY, INFANTILE-ONSET; GAA DEFICIENCY, INFANTILE-ONSET; ACID MALTASE DEFICIENCY, INFANTILE-ONSET; CARDIOMEGALIA GLYCOGENICA DIFFUSA. Identifiers: Orphanet 365, MedGen C0017921, MONDO:0009290, OMIM 232300.

Allele frequency attached by ClinVar (database versions not stated): gnomAD exomes 0.00001.
gnomAD v4.1: 5 of 1,613,104 alleles (0.00031%); highest among the groups gnomAD compares: African/African-American, 0.0013%; no homozygotes.

Submissions (8):

ClinGen Lysosomal Storage Disorder Variant Curation Expert Panel
Classification: Likely pathogenic for Glycogen storage disease, type II. Last evaluated: 2026-07-10. Review status: reviewed by expert panel. Criteria: clingen_lsd_acmg_specifications_v2-1. Collection method: curation. Allele origin: germline. Inheritance: Autosomal recessive inheritance.
Comment: The NM_000152.5:c.796C>T variant in GAA is a missense variant predicted to cause substitution of proline by serine at amino acid 266 (p.Pro266Ser). At least seven patients with this variant and features consistent with Pompe disease have been reported. This includes 2 patients with documented laboratory values showing deficient GAA activity (<10% normal or below reference range in leukocytes) (PMID: 17092519, 29124014) (PP4_Moderate). These patients are all compound heterozygous for the variant and another variant in GAA classified as pathogenic or likely pathogenic by the ClinGen LD VCEP, phase unknown, including c.1309C>T (p.Arg437Cys) (PMID: 25526786), c.1316T>A (p.Met439Lys) (PMID: 17092519, 31193175,), c.1935C>A (p.Asp645Glu) (PMID: 28394184) (ClinVar# SCV002032138.1), c.546G>T (PMID: 29124014) (ClinVar# SCV002032139.1), and c.1602_1605delinsAGG (p.Asn535GlyfsTer43) (PMID: 28394184) (PM3_Strong). The highest population minor allele frequency in gnomAD v4.1.0. is 0.00001333 (1/70356 alleles) in the African/African American population, which is lower than the ClinGen Lysosomal Diseases VCEP’s threshold for PM2_Supporting (<0.001), meeting this criterion (PM2_Supporting). This variant resulted in 14-18% wild type GAA activity, in two different studies, when expressed in COS cells. (PMID: 18425781, 19862843). Western blot revealed presence of the active 76kDa GAA band, but at a much lower level than wild type (PMID: 19862843). Additional variants at this amino acid positions have been reported (c.797C>T (p.Pro266Leu); c.796C>A (p.Pro266Thr) (PMID: 29451150); these variants have not been classified as pathogenic or likely pathogenic by the ClinGen LD VCEP. The score from the in silico metapredictor REVEL is 0.476 (BP4), which is a single piece of conflicting evidence in comparison with the evidence for pathogenicity. There is a ClinVar entry for this variant (Variation ID:556117, 2 star review status) with two submitters classifying the variant as pathogenic and one as likely pathogenic. In summary, based on the overall evidence, this variant meets the criteria to be classified as likely pathogenic for Pompe disease. GAA-specific ACMG/AMP criteria applied, as specified by the ClinGen LD VCEP (Specifications Version 2.0.0): PM3_Strong, PP4_Moderate, PS3_Supporting, PM2_Supporting, BP4. (Classification approved by the ClinGen Lysosomal Diseases Variant Curation Expert Panel on July 10, 2026)

Genomenon, Inc
Classification: Pathogenic for Glycogen storage disease, type II. Last evaluated: 2026-07-01. Review status: criteria provided, single submitter. Criteria: Genomenon Sequence Variant Interpretation Standards - Updated. Collection method: curation. Allele origin: germline. Affected: yes. Not counted in ClinVar's aggregate classification.
Comment: GAA p.Pro266Ser (c.796C>T) is a missense variant that changes the amino acid at codon 266 from Proline to Serine. This variant has been observed in at least one proband with a GAA-related disorder in the compound heterozygous and/or homozygous state (PMID:40952111;39010129;38162137;37542277;35833019;31193175;29124014;29044175;28394184;17092519). At least one functional study has demonstrated a substantial alteration in protein function relative to the wild-type (PMID:18425781;19862843). It is absent or not present at a significant frequency in gnomAD. In silico models predict that this variant is not damaging. In conclusion, we classify GAA p.Pro266Ser (c.796C>T) as a pathogenic variant.

Labcorp Genetics (formerly Invitae), Labcorp
Classification: Pathogenic for Glycogen storage disease, type II. Last evaluated: 2025-11-30. Review status: criteria provided, single submitter. Criteria: Invitae Variant Classification Sherloc (09022015). Collection method: clinical testing. Allele origin: germline. Not counted in ClinVar's aggregate classification.
Comment: This sequence change replaces proline, which is neutral and non-polar, with serine, which is neutral and polar, at codon 266 of the GAA protein (p.Pro266Ser). This variant is not present in population databases (gnomAD no frequency). This missense change has been observed in individual(s) with glycogen storage disease type II (PMID: 17092519, 28592009, 29124014). ClinVar contains an entry for this variant (Variation ID: 556117). Invitae Evidence Modeling of protein sequence and biophysical properties (such as structural, functional, and spatial information, amino acid conservation, physicochemical variation, residue mobility, and thermodynamic stability) indicates that this missense variant is not expected to disrupt GAA protein function with a negative predictive value of 95%. Experimental studies have shown that this missense change affects GAA function (PMID: 19862843, 28592009). For these reasons, this variant has been classified as Pathogenic.

Natera, Inc.
Classification: Pathogenic for Glycogen storage disease type II. Last evaluated: 2025-02-03. Review status: criteria provided, single submitter. Criteria: Natera Variant Classification Schema (03/2026). Collection method: clinical testing. Allele origin: germline. Not counted in ClinVar's aggregate classification.
Comment: The c.796C>T variant in GAA is a missense variant predicted to cause substitution of proline to serine at amino acid 266. This variant is rare in the general population with a frequency below the threshold expected for the associated phenotype(s). This variant has been observed in one or more individuals affected with the associated recessive disease, as either homozygous or compound heterozygous with a second variant (PMID: 28394184, 29095814, 25526786, 17092519, 31193175). Functional studies show that this variant may disrupt protein function (PMID: 18425781). Given the available evidence, this variant is classified as Pathogenic.

Women's Health and Genetics/Laboratory Corporation of America, LabCorp
Classification: Pathogenic for Glycogen storage disease, type II. Last evaluated: 2022-04-12. Review status: criteria provided, single submitter. Criteria: LabCorp Variant Classification Summary - May 2015. Collection method: clinical testing. Allele origin: germline. Not counted in ClinVar's aggregate classification.
Comment: Variant summary: GAA c.796C>T (p.Pro266Ser) results in a non-conservative amino acid change located in the Glycoside hydrolase family 31, N-terminal domain of the encoded protein sequence. Three of five in-silico tools predict a benign effect of the variant on protein function. The variant was absent in 250862 control chromosomes. c.796C>T has been reported in the literature in individuals affected with Glycogen Storage Disease, Type 2 (Pompe Disease). These data indicate that the variant may be associated with disease. At least one publication reports experimental evidence evaluating an impact on protein function. The most pronounced variant effect results in <10% of normal activity. Three clinical diagnostic laboratories have submitted clinical-significance assessments for this variant to ClinVar after 2014 without evidence for independent evaluation. All laboratories classified the variant as pathogenic/likely pathogenic. Based on the evidence outlined above, the variant was classified as pathogenic.

GeneDx
Classification: Pathogenic. Last evaluated: 2019-12-17. Review status: criteria provided, single submitter. Criteria: GeneDx Variant Classification Process June 2021. Collection method: clinical testing. Allele origin: germline. Affected: yes. Not counted in ClinVar's aggregate classification.
Comment: Reported in ClinVar as a likely pathogenic variant (ClinVar Variant ID# 556117; Landrum et al., 2016); Not observed in large population cohorts (Lek et al., 2016); In silico analysis, which includes protein predictors and evolutionary conservation, supports that this variant does not alter protein structure/function; Published functional studies demonstrate a damaging effect as COS-7 cells with this variant had 14% residual enzyme activity compared to wild type (Flanagan et al., 2009); This variant is associated with the following publications: (PMID: 30275481, 25526786, 20080426, 18211760, 28592009, 24169249, 29124014, 17092519, 19862843)

Juno Genomics, Hangzhou Juno Genomics, Inc
Classification: Pathogenic for Glycogen storage disease, type II. Review status: criteria provided, single submitter. Criteria: ACMG Guidelines, 2015. Collection method: clinical testing. Allele origin: germline. Not counted in ClinVar's aggregate classification.
Comment: Absent from controls (or at extremely low frequency if recessive) in Genome Aggregation Database.;Well-established in vitro or in vivo functional studies supportive of a damaging effect on the gene or gene product.;For recessive disorders, detected in trans with a pathogenic variant.;Patient's phenotype or family history is highly specific for a disease with a single genetic etiology.

Counsyl
Classification: Likely pathogenic for Glycogen storage disease, type II. Last evaluated: 2018-01-22. Review status: no assertion criteria provided. Collection method: clinical testing. Allele origin: unknown. Not counted in ClinVar's aggregate classification.

Literature cited by the submitters: PubMed 40952111 (cited by Genomenon, Inc); PubMed 39010129 (cited by Genomenon, Inc); PubMed 38162137 (cited by Genomenon, Inc); PubMed 37542277 (cited by Genomenon, Inc); PubMed 35833019 (cited by Genomenon, Inc); PubMed 31193175 (cited by 3 submitters); PubMed 29124014 (cited by Genomenon, Inc and Labcorp Genetics (formerly Invitae), Labcorp); PubMed 29044175 (cited by Genomenon, Inc); PubMed 28394184 (cited by 3 submitters); PubMed 17092519 (cited by 4 submitters); PubMed 18425781 (cited by 4 submitters); PubMed 19862843 (cited by 3 submitters); PubMed 28592009 (cited by Labcorp Genetics (formerly Invitae), Labcorp); PubMed 29095814 (cited by Natera, Inc.); PubMed 25526786 (cited by Natera, Inc. and Counsyl); PubMed 26199952 (cited by Counsyl); PubMed 18211760 (cited by Counsyl); PubMed 20080426 (cited by Counsyl).

NM_000152.5(GAA):c.796C>T (p.Pro266Ser)

Gene: GAA (alpha glucosidase; plus strand). Cytogenetic location: 17q25.3.
Variant type: single nucleotide variant.
Coding change: c.796C>T on transcript NM_000152.5 (MANE Select); coding-DNA position 796, C replaced by T.
Protein change: p.Pro266Ser; replaces proline 266 with serine.
Molecular consequence: missense variant.
Genome position (GRCh38, 1-based): chr17:80,107,660, C>T. VCF-style: chr17-80107660-C-T. GRCh37 (hg19) VCF-style: chr17-78081459-C-T.
Other names: NM_000152.5(GAA):c.796C>T; p.Pro266Ser; c.796C>T, p.Pro266Ser (NM_001079803.3, NM_001079804.3); c.796C>T (LRG_673t1); short protein forms P266S.
Identifiers: ClinVar variation 556117 (VCV000556117.21), dbSNP rs1555599667, ClinGen allele CA401363495.